The following is an entry in ClinVar:

NC_000016.10:g.(?_68737416)_(68833499_?)del

Gene: CDH1 (cadherin 1; plus strand). Cytogenetic location: 16q22.1.
Variant type: Deletion.
Identifiers: ClinVar variation 832681 (VCV000832681.6).

ClinVar aggregate classification (germline): Pathogenic (1 of 4 stars; one submission).

Conditions:
Hereditary diffuse gastric adenocarcinoma (HDGC). Also called: DIFFUSE GASTRIC AND LOBULAR BREAST CANCER SYNDROME. Identifiers: Orphanet 26106, MedGen C1708349, MONDO:0007648, OMIM 137215.

Submission:

Labcorp Genetics (formerly Invitae), Labcorp
Classification: Pathogenic for Hereditary diffuse gastric adenocarcinoma. Last evaluated: 2022-11-01. Review status: criteria provided, single submitter. Criteria: Invitae Variant Classification Sherloc (09022015). Collection method: clinical testing. Allele origin: germline.
Comment: A gross deletion of the genomic region encompassing the full coding sequence of the CDH1 gene has been identified. Loss-of-function variants in CDH1 are known to be pathogenic (PMID: 15235021, 20373070). The boundaries of this event are unknown as they extend beyond the assayed region for this gene and therefore may encompass additional genes. A similar copy number variant has been observed in individual(s) with esophagogastric cancer (PMID: 26556299). For these reasons, this variant has been classified as Pathogenic.

Literature cited by the submitters: PubMed 15235021; PubMed 20373070; PubMed 26556299.